The following is an entry in ClinVar:

ClinVar aggregate classification (germline): Uncertain significance (1 of 4 stars; one submission).

Allele frequency attached by ClinVar (database versions not stated): gnomAD exomes 0.00001.
gnomAD v4.1: 4 of 1,614,032 alleles (0.00025%); highest among the groups gnomAD compares: East Asian, 0.0089%; no homozygotes.

Submission:

Ambry Genetics
Classification: Uncertain significance. Last evaluated: 2021-10-26. Review status: criteria provided, single submitter. Criteria: Ambry Variant Classification Scheme 2023. Collection method: clinical testing. Allele origin: germline.
Comment: The p.S402T variant (also known as c.1205G>C), located in coding exon 10 of the BUB1 gene, results from a G to C substitution at nucleotide position 1205. The serine at codon 402 is replaced by threonine, an amino acid with similar properties. This amino acid position is conserved. In addition, this alteration is predicted to be tolerated by in silico analysis. Since supporting evidence is limited at this time, the clinical significance of this alteration remains unclear.

NM_004336.5(BUB1):c.1205G>C (p.Ser402Thr)

Gene: BUB1 (BUB1 mitotic checkpoint serine/threonine kinase; minus strand). Cytogenetic location: 2q13.
Variant type: single nucleotide variant.
Coding change: c.1205G>C on transcript NM_004336.5 (MANE Select); coding-DNA position 1205, G replaced by C.
Protein change: p.Ser402Thr; replaces serine 402 with threonine.
Molecular consequence: missense variant.
Genome position (GRCh38, 1-based): chr2:110,661,594, C>G on the plus strand (G>C on the coding strand, the complement: BUB1 is on the minus strand). VCF-style: chr2-110661594-C-G. GRCh37 (hg19) VCF-style: chr2-111419171-C-G.
Other names: c.1145G>C, p.Ser382Thr (NM_001278616.2); c.1205G>C, p.Ser402Thr (NM_001278617.2); short protein forms S382T, S402T.
Identifiers: ClinVar variation 1748687 (VCV001748687.2), dbSNP rs2104543091, ClinGen allele CA348214195.